The following is an entry in ClinVar:

ClinVar aggregate classification (germline): Uncertain significance (1 of 4 stars; one submission).

Allele frequency attached by ClinVar (database versions not stated): TOPMed below 0.00001; ExAC 0.00002; ESP Exome Variant Server 0.00008.
gnomAD v4.1: 1 of 1,585,058 alleles (0.000063%); highest among the groups gnomAD compares: African/African-American, 0.0013%; no homozygotes.

Submission:

Labcorp Genetics (formerly Invitae), Labcorp
Classification: Uncertain significance. Last evaluated: 2025-07-31. Review status: criteria provided, single submitter. Criteria: Invitae Variant Classification Sherloc (09022015). Collection method: clinical testing. Allele origin: germline.
Comment: This sequence change replaces phenylalanine, which is neutral and non-polar, with serine, which is neutral and polar, at codon 1299 of the MYO7A protein (p.Phe1299Ser). The frequency data for this variant in the population databases is considered unreliable, as metrics indicate poor data quality at this position in the gnomAD database. This variant has not been reported in the literature in individuals affected with MYO7A-related conditions. ClinVar contains an entry for this variant (Variation ID: 2015771). Invitae Evidence Modeling of protein sequence and biophysical properties (such as structural, functional, and spatial information, amino acid conservation, physicochemical variation, residue mobility, and thermodynamic stability) indicates that this missense variant is expected to disrupt MYO7A protein function with a positive predictive value of 95%. In summary, the available evidence is currently insufficient to determine the role of this variant in disease. Therefore, it has been classified as a Variant of Uncertain Significance.

NM_000260.4(MYO7A):c.3896T>C (p.Phe1299Ser)

Gene: MYO7A (myosin VIIA; plus strand). Cytogenetic location: 11q13.5.
Variant type: single nucleotide variant.
Coding change: c.3896T>C on transcript NM_000260.4 (MANE Select); coding-DNA position 3896, T replaced by C.
Protein change: p.Phe1299Ser; replaces phenylalanine 1299 with serine.
Molecular consequence: missense variant.
Genome position (GRCh38, 1-based): chr11:77,190,842, T>C. VCF-style: chr11-77190842-T-C. GRCh37 (hg19) VCF-style: chr11-76901887-T-C.
Other names: c.3896T>C, p.Phe1299Ser (NM_001127180.2); c.3863T>C, p.Phe1288Ser (NM_001369365.1); short protein forms F1288S, F1299S.
Identifiers: ClinVar variation 2015771 (VCV002015771.2), dbSNP rs368349650, ClinGen allele CA6198231.